The following is an entry in ClinVar:

ClinVar aggregate classification (germline): Pathogenic/Likely pathogenic. Review status: criteria provided, multiple submitters, no conflicts (2 of 4 stars). 15 submissions from 15 submitters: Pathogenic (10); Likely pathogenic (4). 1 of the submissions does not count toward it. Last evaluated 2026-01-23.

Conditions:
SACS-related disorder. Also called: SACS-related condition.
Abnormal central motor function. Identifiers: MedGen C4023354, HP:0011442.
Spastic paraplegia. Identifiers: MedGen C0037772, HP:0001258.
Charlevoix-Saguenay spastic ataxia (SACS). Also called: AUTOSOMAL RECESSIVE SPASTIC ATAXIA OF CHARLEVOIX-SAGUENAY; SPASTIC ATAXIA 6, AUTOSOMAL RECESSIVE; Spastic ataxia of Charlevoix-Saguenay. Identifiers: Orphanet 98, MedGen C1849140, MONDO:0010041, OMIM 270550.

Allele frequency attached by ClinVar (database versions not stated): ExAC 0.00001; gnomAD exomes 0.00001; gnomAD 0.00004; TOPMed 0.00005; ESP Exome Variant Server 0.00008.

Submissions (15):

Natera, Inc.
Classification: Pathogenic for Charlevoix-Saguenay type spastic ataxia. Last evaluated: 2026-01-23. Review status: criteria provided, single submitter. Criteria: Natera Variant Classification Schema (03/2026). Collection method: clinical testing. Allele origin: germline.
Comment: The c.2439_2440delAT variant in SACS is a frameshift variant predicted to shift the reading frame beginning at codon 815 and leads to a stop codon 4 codons downstream. This variant is expected to result in nonsense mediated decay, truncation, or a dysfunctional protein product. This variant is rare in the general population with a frequency below the threshold expected for the associated phenotype(s). This variant has been observed in one or more individuals affected with the associated recessive disease, as either homozygous or compound heterozygous with a second variant (PMID: 23043354, 35731353). Additionally, this variant has been observed to segregate in affected family members (PMID: 23043354). Given the available evidence, this variant is classified as Pathogenic.

PreventionGenetics, part of Exact Sciences
Classification: Pathogenic for SACS-related condition. Last evaluated: 2025-07-04. Review status: criteria provided, single submitter. Criteria: ACMG Guidelines, 2015. Collection method: clinical testing. Allele origin: germline.
Comment: The SACS c.2439_2440delAT variant is predicted to result in a frameshift and premature protein termination (p.Val815Glyfs*4). This variant has been reported in the homozygous state in multiple consanguineous kindreds with cerebellar ataxia (Hammer et al. 2013. PubMed ID: 23043354; Shakya et al. 2019. PubMed ID: 31429931; Ashrafi et al. 2023. PubMed ID: 35731353). This variant is reported in 0.0080% of alleles in individuals of African descent in gnomAD. Frameshift variants in SACS are expected to be pathogenic. Given the evidence, we interpret this variant as pathogenic.

Labcorp Genetics (formerly Invitae), Labcorp
Classification: Pathogenic for Spastic paraplegia. Last evaluated: 2025-03-23. Review status: criteria provided, single submitter. Criteria: Invitae Variant Classification Sherloc (09022015). Collection method: clinical testing. Allele origin: germline.
Comment: This sequence change creates a premature translational stop signal (p.Val815Glyfs*4) in the SACS gene. While this is not anticipated to result in nonsense mediated decay, it is expected to disrupt the last 3765 amino acid(s) of the SACS protein. This variant is present in population databases (rs775059063, gnomAD 0.008%). This premature translational stop signal has been observed in individual(s) with spastic ataxia of Charlevoix-Saguenay (PMID: 23043354). ClinVar contains an entry for this variant (Variation ID: 188856). This variant disrupts a region of the SACS protein in which other variant(s) (p.Leu4303*, p.Arg3903*) have been determined to be pathogenic (PMID: 19892370, 21745802; internal data). This suggests that this is a clinically significant region of the protein, and that variants that disrupt it are likely to be disease-causing. For these reasons, this variant has been classified as Pathogenic.

Women's Health and Genetics/Laboratory Corporation of America, LabCorp
Classification: Pathogenic for Charlevoix-Saguenay spastic ataxia. Last evaluated: 2024-05-05. Review status: criteria provided, single submitter. Criteria: LabCorp Variant Classification Summary - May 2015. Collection method: clinical testing. Allele origin: germline.
Comment: Variant summary: SACS c.2439_2440delAT (p.Val815GlyfsX4) results in a frameshift that is predicted to escape of nonsense mediated decay. The variant allele was found at a frequency of 1.2e-05 in 251256 control chromosomes. c.2439_2440delAT has been reported in the literature in individuals affected with autosomal recessive spastic ataxia of Charlevoix-Saguenay (example, Hammer_2013). These data indicate that the variant is likely to be associated with disease. To our knowledge, no experimental evidence demonstrating an impact on protein function has been reported. Several downstream pathogenic variants (e.g. c.12160C>T; p.Gln4054X) have been reported by our laboratory. The following publication have been ascertained in the context of this evaluation (PMID: 23043354). ClinVar contains an entry for this variant (Variation ID: 188856). Based on the evidence outlined above, the variant was classified as pathogenic.

Baylor Genetics
Classification: Pathogenic for Charlevoix-Saguenay spastic ataxia. Last evaluated: 2024-02-20. Review status: criteria provided, single submitter. Criteria: ACMG Guidelines, 2015. Collection method: clinical testing. Allele origin: unknown.

GeneDx
Classification: Likely pathogenic. Last evaluated: 2022-12-07. Review status: criteria provided, single submitter. Criteria: GeneDx Variant Classification Process June 2021. Collection method: clinical testing. Allele origin: germline. Affected: yes.
Comment: Frameshift variant predicted to result in protein truncation, as the last 3765 amino acids are replaced with 3 different amino acids, and other loss-of-function variants have been reported downstream in the Human Gene Mutation Database (HGMD); Not observed at a significant frequency in large population cohorts (gnomAD); This variant is associated with the following publications: (PMID: 23043354, 31429931, 35303589)

Institute of Human Genetics, Heidelberg University
Classification: Pathogenic for Charlevoix-Saguenay spastic ataxia. Last evaluated: 2022-03-23. Review status: criteria provided, single submitter. Criteria: ACMG Guidelines, 2015. Collection method: clinical testing. Allele origin: germline. Affected: yes.

PROSPAX: an integrated multimodal progression  chart in spastic ataxias, Center for Neurology; Hertie-Institute for Clinical Brain Research
Classification: Likely pathogenic for Charlevoix-Saguenay spastic ataxia. Last evaluated: 2022-01-01. Review status: criteria provided, single submitter. Criteria: ACMG Guidelines, 2015. Collection method: research. Allele origin: germline. Affected: yes.

Fulgent Genetics
Classification: Likely pathogenic for Charlevoix-Saguenay spastic ataxia. Last evaluated: 2021-09-28. Review status: criteria provided, single submitter. Criteria: ACMG Guidelines, 2015. Collection method: clinical testing. Allele origin: unknown.

Genome-Nilou Lab
Classification: Pathogenic for Charlevoix-Saguenay spastic ataxia. Last evaluated: 2021-09-05. Review status: criteria provided, single submitter. Criteria: ACMG Guidelines, 2015. Collection method: clinical testing. Allele origin: germline. Affected: no.

Kariminejad - Najmabadi Pathology & Genetics Center
Classification: Likely pathogenic for Abnormal central motor function. Last evaluated: 2021-07-10. Review status: criteria provided, single submitter. Criteria: ACMG Guidelines, 2015. Collection method: clinical testing. Allele origin: germline. Affected: yes.

Institute of Medical Genetics and Applied Genomics, University Hospital Tübingen
Classification: Pathogenic. Last evaluated: 2020-10-23. Review status: criteria provided, single submitter. Criteria: ACMG Guidelines, 2015. Collection method: clinical testing. Allele origin: germline. Inheritance: Unknown mechanism. Affected: yes.

Medical Genetics Laboratory, Tarbiat Modares University
Classification: Pathogenic for Charlevoix-Saguenay spastic ataxia. Last evaluated: 2020-03-01. Review status: criteria provided, single submitter. Criteria: ACMG Guidelines, 2015. Collection method: clinical testing. Allele origin: inherited. Inheritance: Autosomal recessive inheritance. Affected: yes. Observed: 1 variant allele, 1 homozygote.

Athena Diagnostics
Classification: Pathogenic. Last evaluated: 2019-07-08. Review status: criteria provided, single submitter. Criteria: Athena Diagnostics Criteria. Collection method: clinical testing. Allele origin: germline.
Comment: The variant results in a shift of the reading frame, and is therefore predicted to result in the loss of a functional protein. Found in at least one symptomatic patient, and found in general population data that is consistent with pathogenicity.

Counsyl
Classification: Likely pathogenic for Spastic ataxia Charlevoix-Saguenay type. Last evaluated: 2014-06-27. Review status: no assertion criteria provided. Collection method: literature only. Allele origin: unknown. Inheritance: Autosomal recessive inheritance. Not counted in ClinVar's aggregate classification.

Literature cited by the submitters: PubMed 23043354 (cited by 6 submitters); PubMed 35731353 (cited by Natera, Inc.); PubMed 19892370 (cited by Labcorp Genetics (formerly Invitae), Labcorp); PubMed 21745802 (cited by Labcorp Genetics (formerly Invitae), Labcorp); PubMed 31429931 (cited by Institute of Human Genetics, Heidelberg University).

NM_014363.6(SACS):c.2439_2440del (p.Val815fs)

Gene: SACS (sacsin molecular chaperone; minus strand). Cytogenetic location: 13q12.12.
Variant type: Deletion.
Coding change: c.2439_2440del on transcript NM_014363.6 (MANE Select); coding-DNA positions 2439 to 2440, 2 bases deleted (AT; older notation c.2439_2440delAT).
Protein change: p.Val815fs; shifts the reading frame from valine 815.
Molecular consequence: frameshift variant.
Genome position (GRCh38, 1-based): chr13:23,341,436-23,341,437, AT deleted on the plus strand (AT on the coding strand, the reverse complement: SACS is on the minus strand). VCF-style (leftmost placement, unchanged base first): chr13-23341435-CAT-C. GRCh37 (hg19) VCF-style: chr13-23915574-CAT-C.
Other names: c.2439_2440del (NM_014363.5, NM_014363.4); c.1998_1999del, p.Val668fs (NM_001278055.2); c.2439_2440delAT (NM_014363.6, NM_014363.5); short protein forms V815fs, V668fs.
Identifiers: ClinVar variation 188856 (VCV000188856.49), dbSNP rs775059063, ClinGen allele CA274046.